The following is an entry in ClinVar:

ClinVar aggregate classification (germline): Uncertain significance. Review status: criteria provided, multiple submitters, no conflicts (2 of 4 stars). 2 submissions from 2 submitters: Uncertain significance (2). Last evaluated 2026-05-01.

gnomAD v4.1: 16 of 1,614,076 alleles (0.00099%); highest among the groups gnomAD compares: Non-Finnish European, 0.0012%; no homozygotes.

Submissions (2):

CeGaT Center for Human Genetics Tuebingen
Classification: Uncertain significance. Last evaluated: 2026-05-01. Review status: criteria provided, single submitter. Criteria: CeGaT Center For Human Genetics Tuebingen Variant Classification Criteria Version 2. Collection method: clinical testing. Allele origin: germline. Affected: yes. Observed: 1 variant allele.
Comment: SYNJ1: PM2, PVS1:Moderate

ARUP Laboratories, Molecular Genetics and Genomics, ARUP Laboratories
Classification: Uncertain significance. Last evaluated: 2024-08-26. Review status: criteria provided, single submitter. Criteria: ARUP Molecular Germline Variant Investigation Process 2024. Collection method: clinical testing. Allele origin: germline.

NM_203446.3(SYNJ1):c.*575C>G

Gene: SYNJ1 (synaptojanin 1; minus strand). Cytogenetic location: 21q22.11.
Variant type: single nucleotide variant.
Coding change: c.*575C>G on transcript NM_203446.3 (MANE Select); 575 bases downstream of the stop codon, C replaced by G.
Molecular consequence: 3 prime UTR variant. On other transcripts: nonsense (2).
Genome position (GRCh38, 1-based): chr21:32,631,230, G>C on the plus strand (C>G on the coding strand, the complement: SYNJ1 is on the minus strand). VCF-style: chr21-32631230-G-C. GRCh37 (hg19) VCF-style: chr21-34003540-G-C.
Other names: c.*575C>G (NM_001160302.2); c.4346C>G, p.Ser1449Ter (NM_001160306.2); c.4604C>G, p.Ser1535Ter (NM_003895.4); short protein forms S1449*, S1535*.
Identifiers: ClinVar variation 3766799 (VCV003766799.3).